The following is an entry in ClinVar:

ClinVar aggregate classification (germline): Uncertain significance (1 of 4 stars; one submission).

Conditions:
Progressive familial heart block type IB (PFHB1B). Identifiers: Orphanet 871, MedGen C1970298, MONDO:0011474, OMIM 604559.

Submission:

Labcorp Genetics (formerly Invitae), Labcorp
Classification: Uncertain significance for Progressive familial heart block type IB. Last evaluated: 2025-06-22. Review status: criteria provided, single submitter. Criteria: Invitae Variant Classification Sherloc (09022015). Collection method: clinical testing. Allele origin: germline.
Comment: This sequence change replaces proline, which is neutral and non-polar, with histidine, which is basic and polar, at codon 1207 of the TRPM4 protein (p.Pro1207His). This variant is not present in population databases (gnomAD no frequency). This variant has not been reported in the literature in individuals affected with TRPM4-related conditions. An algorithm developed to predict the effect of missense changes on protein structure and function (PolyPhen-2) suggests that this variant is likely to be disruptive. In summary, the available evidence is currently insufficient to determine the role of this variant in disease. Therefore, it has been classified as a Variant of Uncertain Significance.

NM_017636.4(TRPM4):c.3620C>A (p.Pro1207His)

Gene: TRPM4 (transient receptor potential cation channel subfamily M member 4; plus strand). Cytogenetic location: 19q13.33.
Variant type: single nucleotide variant.
Coding change: c.3620C>A on transcript NM_017636.4 (MANE Select); coding-DNA position 3620, C replaced by A.
Protein change: p.Pro1207His; replaces proline 1207 with histidine.
Molecular consequence: missense variant.
Genome position (GRCh38, 1-based): chr19:49,211,249, C>A. VCF-style: chr19-49211249-C-A. GRCh37 (hg19) VCF-style: chr19-49714506-C-A.
Other names: c.3185C>A, p.Pro1062His (NM_001195227.2); c.3275C>A, p.Pro1092His (NM_001321281.2); c.2012C>A, p.Pro671His (NM_001321282.2); c.3098C>A, p.Pro1033His (NM_001321283.2); c.2558C>A, p.Pro853His (NM_001321285.2); short protein forms P671H, P1092H, P1207H, P853H, P1062H, P1033H.
Identifiers: ClinVar variation 4769417 (VCV004769417.1).